The following is an entry in ClinVar:

NM_001985.3(ETFB):c.382G>A (p.Asp128Asn)

Gene: ETFB (electron transfer flavoprotein subunit beta; minus strand). Cytogenetic location: 19q13.41.
Variant type: single nucleotide variant.
Coding change: c.382G>A on transcript NM_001985.3 (MANE Select); coding-DNA position 382, G replaced by A.
Protein change: p.Asp128Asn; replaces aspartic acid 128 with asparagine.
Molecular consequence: missense variant.
Genome position (GRCh38, 1-based): chr19:51,350,385, C>T on the plus strand (G>A on the coding strand, the complement: ETFB is on the minus strand). VCF-style: chr19-51350385-C-T. GRCh37 (hg19) VCF-style: chr19-51853639-C-T.
Other names: c.655G>A, p.Asp219Asn (NM_001014763.1); short protein forms D128N, D219N.
Identifiers: ClinVar variation 16718 (VCV000016718.10), dbSNP rs104894678, ClinGen allele CA126842.

ClinVar aggregate classification (germline): Conflicting classifications of pathogenicity. Review status: criteria provided, conflicting classifications (1 of 4 stars). 6 submissions from 6 submitters: Likely pathogenic (2); Uncertain significance (3). 1 of the submissions does not count toward it. Last evaluated 2024-11-25.

Conditions:
Multiple acyl-CoA dehydrogenase deficiency (MADD). Also called: Glutaric Acidemia type 2; ETHYLMALONIC-ADIPICACIDURIA; GA II; Glutaric aciduria, type 2; Glutaric acidemia type II; GA 2. Identifiers: Orphanet 26791, MedGen C0268596, MONDO:0009282, OMIM 231680.
Glutaric acidemia IIb. Also called: ETFB deficiency. Identifiers: MedGen C3278155, MONDO:0700074.
ETFB-related disorder. Also called: ETFB-related condition.

Allele frequency attached by ClinVar (database versions not stated): ExAC 0.00001; TOPMed 0.00001; gnomAD 0.00002 and 0.00003; gnomAD exomes 0.00002.
gnomAD v4.1: 18 of 1,502,486 alleles (0.0012%); highest among the groups gnomAD compares: African/African-American, 0.0027%; no homozygotes.

Submissions (6):

Blueprint Genetics
Classification: Likely pathogenic for ETFB-related disorders. Last evaluated: 2024-11-25. Review status: criteria provided, single submitter. Criteria: ACMG Guidelines, 2015. Collection method: clinical testing. Allele origin: germline. Affected: yes. Observed: 4 variant alleles.

Women's Health and Genetics/Laboratory Corporation of America, LabCorp
Classification: Uncertain significance. Last evaluated: 2024-03-28. Review status: criteria provided, single submitter. Criteria: LabCorp Variant Classification Summary - May 2015. Collection method: clinical testing. Allele origin: germline.
Comment: Variant summary: ETFB c.382G>A (p.Asp128Asn) results in a conservative amino acid change located in the Electron transfer flavoprotein, alpha/beta-subunit, N-terminal domain (IPR014730) of the encoded protein sequence. Four of five in-silico tools predict a damaging effect of the variant on protein function. The variant allele was found at a frequency of 1.7e-05 in 238180 control chromosomes (gnomAD). c.382G>A has been reported in the literature in a homozygous individual affected with multiple acyl-CoA dehydrogenase deficiency type 3 (Olsen_2003). These data indicate that the variant may be associated with disease. Publications report experimental evidence evaluating an impact on protein function (Henriques_2009, 2010, Rodrigues_2012), finding that the variant results in partially reduced ETFB activity. The following publications have been ascertained in the context of this evaluation (PMID: 12815589, 19088074, 20674745, 22588007). ClinVar contains an entry for this variant (Variation ID: 16718). Based on the evidence outlined above, the variant was classified as VUS-possibly pathogenic.

Baylor Genetics
Classification: Likely pathogenic for Multiple acyl-CoA dehydrogenase deficiency. Last evaluated: 2023-12-06. Review status: criteria provided, single submitter. Criteria: ACMG Guidelines, 2015. Collection method: clinical testing. Allele origin: unknown.

Revvity Omics, Revvity
Classification: Uncertain significance for Multiple acyl-CoA dehydrogenase deficiency. Last evaluated: 2022-08-24. Review status: criteria provided, single submitter. Criteria: ACMG Guidelines, 2015. Collection method: clinical testing. Allele origin: germline.

Labcorp Genetics (formerly Invitae), Labcorp
Classification: Uncertain significance for Multiple acyl-CoA dehydrogenase deficiency. Last evaluated: 2021-12-15. Review status: criteria provided, single submitter. Criteria: Invitae Variant Classification Sherloc (09022015). Collection method: clinical testing. Allele origin: germline.
Comment: This sequence change replaces aspartic acid, which is acidic and polar, with asparagine, which is neutral and polar, at codon 128 of the ETFB protein (p.Asp128Asn). This variant is present in population databases (rs104894678, gnomAD 0.004%). This missense change has been observed in individual(s) with multiple acyl-CoA dehydrogenase deficiency (PMID: 12815589). ClinVar contains an entry for this variant (Variation ID: 16718). Algorithms developed to predict the effect of missense changes on protein structure and function are either unavailable or do not agree on the potential impact of this missense change (SIFT: "Deleterious"; PolyPhen-2: "Possibly Damaging"; Align-GVGD: "Class C15"). Experimental studies have shown that this missense change affects ETFB function (PMID: 12815589). In summary, the available evidence is currently insufficient to determine the role of this variant in disease. Therefore, it has been classified as a Variant of Uncertain Significance.

OMIM
Classification: Pathogenic for GLUTARIC ACIDEMIA IIB. Last evaluated: 2003-07-01. Review status: no assertion criteria provided. Collection method: literature only. Allele origin: germline. Not counted in ClinVar's aggregate classification.

Literature cited by the submitters: PubMed 20674745 (cited by Women's Health and Genetics/Laboratory Corporation of America, LabCorp); PubMed 12815589 (cited by 3 submitters); PubMed 22588007 (cited by Women's Health and Genetics/Laboratory Corporation of America, LabCorp); PubMed 19088074 (cited by Women's Health and Genetics/Laboratory Corporation of America, LabCorp); PubMed 9350306 (cited by OMIM).